The following is an entry in ClinVar:

ClinVar aggregate classification (germline): Uncertain significance (1 of 4 stars; one submission).

Allele frequency attached by ClinVar (database versions not stated): gnomAD exomes below 0.00001; ExAC 0.00001.
gnomAD v4.1: 6 of 1,613,816 alleles (0.00037%); highest among the groups gnomAD compares: Admixed American, 0.0017%; no homozygotes.

Submission:

Labcorp Genetics (formerly Invitae), Labcorp
Classification: Uncertain significance. Last evaluated: 2022-11-28. Review status: criteria provided, single submitter. Criteria: Invitae Variant Classification Sherloc (09022015). Collection method: clinical testing. Allele origin: germline.
Comment: This variant is present in population databases (rs766727508, gnomAD 0.0009%). This sequence change replaces glutamine, which is neutral and polar, with proline, which is neutral and non-polar, at codon 2147 of the KMT2C protein (p.Gln2147Pro). In summary, the available evidence is currently insufficient to determine the role of this variant in disease. Therefore, it has been classified as a Variant of Uncertain Significance. Advanced modeling of protein sequence and biophysical properties (such as structural, functional, and spatial information, amino acid conservation, physicochemical variation, residue mobility, and thermodynamic stability) performed at Invitae indicates that this missense variant is expected to disrupt KMT2C protein function. ClinVar contains an entry for this variant (Variation ID: 1506991). This variant has not been reported in the literature in individuals affected with KMT2C-related conditions.

NM_170606.3(KMT2C):c.6440A>C (p.Gln2147Pro)

Gene: KMT2C (lysine methyltransferase 2C; minus strand). Cytogenetic location: 7q36.1.
Variant type: single nucleotide variant.
Coding change: c.6440A>C on transcript NM_170606.3 (MANE Select); coding-DNA position 6440, A replaced by C.
Protein change: p.Gln2147Pro; replaces glutamine 2147 with proline.
Molecular consequence: missense variant.
Genome position (GRCh38, 1-based): chr7:152,181,420, T>G on the plus strand (A>C on the coding strand, the complement: KMT2C is on the minus strand). VCF-style: chr7-152181420-T-G. GRCh37 (hg19) VCF-style: chr7-151878505-T-G.
Other names: short protein forms Q2147P.
Identifiers: ClinVar variation 1506991 (VCV001506991.8), dbSNP rs766727508, ClinGen allele CA4580073.
Genomic context (GRCh38, chr7:152,181,420, plus strand): 5'-CGGGGAGTTCCAGGAGGTTGAGAGTAAGGGTCTGTATTGGACCTAGCTGTTCCTGAAGAT[T>G]GGGAATAAGAATCTACAACAGGTCGTGGAGTTCCTGGGGGTTGGGAGTATGGGTCCTGAG-3'
Protein context (NP_733751.2, residues 2137-2157): TPRPVVDSYS[Gln2147Pro]SSGTARSNTD